The following is an entry in ClinVar:

ClinVar aggregate classification (germline): Uncertain significance (1 of 4 stars; one submission).

gnomAD v4.1: 2 of 1,613,822 alleles (0.00012%); highest among the groups gnomAD compares: Non-Finnish European, 0.00017%; no homozygotes.

Submission:

Labcorp Genetics (formerly Invitae), Labcorp
Classification: Uncertain significance. Last evaluated: 2023-05-08. Review status: criteria provided, single submitter. Criteria: Invitae Variant Classification Sherloc (09022015). Collection method: clinical testing. Allele origin: germline.
Comment: In summary, the available evidence is currently insufficient to determine the role of this variant in disease. Therefore, it has been classified as a Variant of Uncertain Significance. An algorithm developed to predict the effect of missense changes on protein structure and function (PolyPhen-2) suggests that this variant is likely to be disruptive. ClinVar contains an entry for this variant (Variation ID: 1462125). This variant has not been reported in the literature in individuals affected with MYO18B-related conditions. This variant is not present in population databases (gnomAD no frequency). This sequence change replaces serine, which is neutral and polar, with phenylalanine, which is neutral and non-polar, at codon 1019 of the MYO18B protein (p.Ser1019Phe).

NM_032608.7(MYO18B):c.3056C>T (p.Ser1019Phe)

Gene: MYO18B (myosin XVIIIB; plus strand). Cytogenetic location: 22q12.1.
Variant type: single nucleotide variant.
Coding change: c.3056C>T on transcript NM_032608.7 (MANE Select); coding-DNA position 3056, C replaced by T.
Protein change: p.Ser1019Phe; replaces serine 1019 with phenylalanine.
Molecular consequence: missense variant.
Genome position (GRCh38, 1-based): chr22:25,832,993, C>T. VCF-style: chr22-25832993-C-T. GRCh37 (hg19) VCF-style: chr22-26228960-C-T.
Other names: c.3056C>T, p.Ser1019Phe (NM_001318245.2); short protein forms S1019F.
Identifiers: ClinVar variation 1462125 (VCV001462125.6), dbSNP rs1390250397, ClinGen allele CA411001838.